The following is an entry in ClinVar:

NM_001378454.1(ALMS1):c.9336A>T (p.Glu3112Asp)

Gene: ALMS1 (ALMS1 centrosome and basal body associated protein; plus strand). Cytogenetic location: 2p13.1.
Variant type: single nucleotide variant.
Coding change: c.9336A>T on transcript NM_001378454.1 (MANE Select); coding-DNA position 9336, A replaced by T.
Protein change: p.Glu3112Asp; replaces glutamic acid 3112 with aspartic acid.
Molecular consequence: missense variant.
Genome position (GRCh38, 1-based): chr2:73,491,295, A>T. VCF-style: chr2-73491295-A-T. GRCh37 (hg19) VCF-style: chr2-73718422-A-T.
Other names: c.9339A>T, p.Glu3113Asp (NM_015120.4); short protein forms E3113D, E3112D.
Identifiers: ClinVar variation 578120 (VCV000578120.14), dbSNP rs1558667820, ClinGen allele CA347274181.
Genomic context (GRCh38, chr2:73,491,295, plus strand): 5'-GAGATCACTGGAACCAACCTCCAAATTATTGACCAGTAAACCTGTAGCACAGGATCAAGA[A>T]TCTTTAGGTTTTCTAGGACCTAAATCTTCACTGGATTTCCAAGTCGTACAGCCTTCTCTT-3'
Protein context (NP_001365383.1, residues 3102-3122): LTSKPVAQDQ[Glu3112Asp]SLGFLGPKSS

ClinVar aggregate classification (germline): Uncertain significance. Review status: criteria provided, multiple submitters, no conflicts (2 of 4 stars). 4 submissions from 4 submitters: Uncertain significance (3). 1 of the submissions does not count toward it. Last evaluated 2024-05-15.

Conditions:
Alstrom syndrome (ALMS). Identifiers: Orphanet 64, MedGen C0268425, MONDO:0008763, OMIM 203800.
Cardiovascular phenotype. Identifiers: MedGen CN230736.

gnomAD v4.1: 1 of 1,614,188 alleles (0.000062%); highest among the groups gnomAD compares: Non-Finnish European, 0.000085%; no homozygotes.

Submissions (4):

Labcorp Genetics (formerly Invitae), Labcorp
Classification: Uncertain significance for Alstrom syndrome. Last evaluated: 2024-05-15. Review status: criteria provided, single submitter. Criteria: Invitae Variant Classification Sherloc (09022015). Collection method: clinical testing. Allele origin: germline.
Comment: This sequence change replaces glutamic acid, which is acidic and polar, with aspartic acid, which is acidic and polar, at codon 3113 of the ALMS1 protein (p.Glu3113Asp). This variant is not present in population databases (gnomAD no frequency). This variant has not been reported in the literature in individuals affected with ALMS1-related conditions. ClinVar contains an entry for this variant (Variation ID: 578120). Experimental studies and prediction algorithms are not available or were not evaluated, and the functional significance of this variant is currently unknown. In summary, the available evidence is currently insufficient to determine the role of this variant in disease. Therefore, it has been classified as a Variant of Uncertain Significance.

Fulgent Genetics
Classification: Uncertain significance for Alstrom syndrome. Last evaluated: 2022-03-07. Review status: criteria provided, single submitter. Criteria: ACMG Guidelines, 2015. Collection method: clinical testing. Allele origin: unknown.

Ambry Genetics
Classification: Uncertain significance for Cardiovascular phenotype. Last evaluated: 2019-09-20. Review status: criteria provided, single submitter. Criteria: Ambry Variant Classification Scheme 2023. Collection method: clinical testing. Allele origin: germline.
Comment: The p.E3113D variant (also known as c.9339A>T), located in coding exon 10 of the ALMS1 gene, results from an A to T substitution at nucleotide position 9339. The glutamic acid at codon 3113 is replaced by aspartic acid, an amino acid with highly similar properties. This amino acid position is highly conserved in available vertebrate species. In addition, this alteration is predicted to be tolerated by in silico analysis. Since supporting evidence is limited at this time, the clinical significance of this alteration remains unclear.

Natera, Inc.
Classification: Uncertain significance for Alstrom syndrome. Last evaluated: 2021-05-21. Review status: no assertion criteria provided. Collection method: clinical testing. Allele origin: germline. Not counted in ClinVar's aggregate classification.